The following is an entry in ClinVar:

ClinVar aggregate classification (germline): Uncertain significance (1 of 4 stars; one submission).

Allele frequency attached by ClinVar (database versions not stated): gnomAD exomes below 0.00001.
gnomAD v4.1: 4 of 1,551,190 alleles (0.00026%); highest among the groups gnomAD compares: African/African-American, 0.0014%; no homozygotes.

Submission:

Labcorp Genetics (formerly Invitae), Labcorp
Classification: Uncertain significance. Last evaluated: 2022-10-19. Review status: criteria provided, single submitter. Criteria: Invitae Variant Classification Sherloc (09022015). Collection method: clinical testing. Allele origin: germline.
Comment: This sequence change replaces alanine, which is neutral and non-polar, with threonine, which is neutral and polar, at codon 1864 of the MYH14 protein (p.Ala1864Thr). This variant is not present in population databases (gnomAD no frequency). This variant has not been reported in the literature in individuals affected with MYH14-related conditions. Advanced modeling of protein sequence and biophysical properties (such as structural, functional, and spatial information, amino acid conservation, physicochemical variation, residue mobility, and thermodynamic stability) performed at Invitae indicates that this missense variant is not expected to disrupt MYH14 protein function. In summary, the available evidence is currently insufficient to determine the role of this variant in disease. Therefore, it has been classified as a Variant of Uncertain Significance.

NM_001145809.2(MYH14):c.5713G>A (p.Ala1905Thr)

Gene: MYH14 (myosin heavy chain 14; plus strand). Cytogenetic location: 19q13.33.
Variant type: single nucleotide variant.
Coding change: c.5713G>A on transcript NM_001145809.2 (MANE Select); coding-DNA position 5713, G replaced by A.
Protein change: p.Ala1905Thr; replaces alanine 1905 with threonine.
Molecular consequence: missense variant.
Genome position (GRCh38, 1-based): chr19:50,307,083, G>A. VCF-style: chr19-50307083-G-A. GRCh37 (hg19) VCF-style: chr19-50810340-G-A.
Other names: c.5614G>A, p.Ala1872Thr (NM_001077186.2); c.5590G>A, p.Ala1864Thr (NM_024729.4); short protein forms A1864T, A1872T, A1905T.
Identifiers: ClinVar variation 1721008 (VCV001721008.5), dbSNP rs2036677860, ClinGen allele CA406965331.
Genomic context (GRCh38, chr19:50,307,083, plus strand): 5'-AGACTCCTCCTCATCCCTCTCTTCAGAGAGCGCATCCTCTCTGGAAAGCTGGTGCGCAGA[G>A]CTGAGAAGCGGCTTAAAGAGGTGGTGCTCCAGGTGGAGGAGGAGCGGAGGGTGGCTGACC-3'
Protein context (NP_001139281.1, residues 1895-1915): RILSGKLVRR[Ala1905Thr]EKRLKEVVLQ